The following is an entry in ClinVar:

ClinVar aggregate classification (germline): Uncertain significance. Review status: criteria provided, multiple submitters, no conflicts (2 of 4 stars). 2 submissions from 2 submitters: Uncertain significance (2). Last evaluated 2026-01-25.

Conditions:
GUSB-related disorder. Also called: GUSB-related condition.
Mucopolysaccharidosis type 7 (MPS7). Also called: BETA-GLUCURONIDASE DEFICIENCY; MPS VII; SLY SYNDROME; GUSB DEFICIENCY. Identifiers: Orphanet 584, MedGen C0085132, MONDO:0009662, OMIM 253220.

Allele frequency attached by ClinVar (database versions not stated): gnomAD 0.00001; TOPMed 0.00001; gnomAD exomes 0.00002.

Submissions (2):

PreventionGenetics, part of Exact Sciences
Classification: Uncertain significance for GUSB-related condition. Last evaluated: 2026-01-25. Review status: criteria provided, single submitter. Criteria: ACMG Guidelines, 2015. Collection method: clinical testing. Allele origin: germline.
Comment: The GUSB c.7C>T variant is predicted to result in the amino acid substitution p.Arg3Trp. To our knowledge, this variant has not been reported in the literature. This variant is reported in 0.0042% of alleles in individuals of European (Non-Finnish) descent in gnomAD. At this time, the clinical significance of this variant is uncertain due to the absence of conclusive functional and genetic evidence.

Labcorp Genetics (formerly Invitae), Labcorp
Classification: Uncertain significance for Mucopolysaccharidosis type 7. Last evaluated: 2024-07-16. Review status: criteria provided, single submitter. Criteria: Invitae Variant Classification Sherloc (09022015). Collection method: clinical testing. Allele origin: germline.
Comment: This sequence change replaces arginine, which is basic and polar, with tryptophan, which is neutral and slightly polar, at codon 3 of the GUSB protein (p.Arg3Trp). This variant is present in population databases (rs750955623, gnomAD 0.002%). This variant has not been reported in the literature in individuals affected with GUSB-related conditions. ClinVar contains an entry for this variant (Variation ID: 1492506). An algorithm developed to predict the effect of missense changes on protein structure and function (PolyPhen-2) suggests that this variant¬†is likely to be tolerated. In summary, the available evidence is currently insufficient to determine the role of this variant in disease. Therefore, it has been classified as a Variant of Uncertain Significance.

NM_000181.4(GUSB):c.7C>T (p.Arg3Trp)

Gene: GUSB (glucuronidase beta; minus strand). Cytogenetic location: 7q11.21.
Variant type: single nucleotide variant.
Coding change: c.7C>T on transcript NM_000181.4 (MANE Select); coding-DNA position 7, C replaced by T.
Protein change: p.Arg3Trp; replaces arginine 3 with tryptophan.
Molecular consequence: missense variant. On other transcripts: 5 prime UTR variant (2), non-coding transcript variant (1).
Genome position (GRCh38, 1-based): chr7:65,982,177, G>A on the plus strand (C>T on the coding strand, the complement: GUSB is on the minus strand). VCF-style: chr7-65982177-G-A. GRCh37 (hg19) VCF-style: chr7-65447164-G-A.
Other names: c.7C>T (NM_000181.3); c.7C>T, p.Arg3Trp (NM_001284290.2); c.-379C>T (NM_001293104.2); c.-323C>T (NM_001293105.2); short protein forms R3W.
Identifiers: ClinVar variation 1492506 (VCV001492506.7), dbSNP rs750955623, ClinGen allele CA4276764.